The following is an entry in ClinVar:

NM_007118.4(TRIO):c.7156G>C (p.Gly2386Arg)

Gene: TRIO (trio Rho guanine nucleotide exchange factor; plus strand). Cytogenetic location: 5p15.2.
Variant type: single nucleotide variant.
Coding change: c.7156G>C on transcript NM_007118.4 (MANE Select); coding-DNA position 7156, G replaced by C.
Protein change: p.Gly2386Arg; replaces glycine 2386 with arginine.
Molecular consequence: missense variant.
Genome position (GRCh38, 1-based): chr5:14,487,784, G>C. VCF-style: chr5-14487784-G-C. GRCh37 (hg19) VCF-style: chr5-14487893-G-C.
Other names: c.7156G>C (NM_007118.2); short protein forms G2386R.
Identifiers: ClinVar variation 1683647 (VCV001683647.3), dbSNP rs761969823, ClinGen allele CA359236907.

ClinVar aggregate classification (germline): Uncertain significance. Review status: criteria provided, multiple submitters, no conflicts (2 of 4 stars). 2 submissions from 2 submitters: Uncertain significance (2). Last evaluated 2024-07-30.

Conditions:
Intellectual developmental disorder, autosomal dominant 63, with macrocephaly. Also called: MENTAL RETARDATION, AUTOSOMAL DOMINANT 63, WITH MACROCEPHALY. Identifiers: MedGen C5394205, MONDO:0032939, OMIM 618825.
Intellectual developmental disorder, autosomal dominant 44, with microcephaly. Also called: Micrognathia-recurrent infections-behavioral abnormalities-mild intellectual disability syndrome; TRIO-Related Intellectual Disability. Identifiers: Orphanet 476126, MedGen C4310740, MONDO:0014892, OMIM 617061.
Inborn genetic diseases. Identifiers: MedGen C0950123, MeSH D030342.

gnomAD v4.1: 6 of 1,375,768 alleles (0.00044%); highest among the groups gnomAD compares: Non-Finnish European, 0.00056%; no homozygotes.

Submissions (2):

Ambry Genetics
Classification: Uncertain significance for Inborn genetic diseases. Last evaluated: 2024-07-30. Review status: criteria provided, single submitter. Criteria: Ambry Variant Classification Scheme 2023. Collection method: clinical testing. Allele origin: germline.

Laboratorio de Genetica e Diagnostico Molecular, Hospital Israelita Albert Einstein
Classification: Uncertain significance for Intellectual developmental disorder, autosomal dominant 44, with microcephaly; Intellectual developmental disorder, autosomal dominant 63, with macrocephaly. Last evaluated: 2021-11-16. Review status: criteria provided, single submitter. Criteria: ACMG Guidelines, 2015. Collection method: clinical testing. Allele origin: germline. Affected: yes.
Comment: ACMG classification criteria: PM2 moderate, BP4 supporting